The following is an entry in ClinVar:

NM_001278293.3(ARL6):c.479+3A>C

Gene: ARL6 (ARF like GTPase 6; plus strand). Cytogenetic location: 3q11.2.
Variant type: single nucleotide variant.
Coding change: c.479+3A>C on transcript NM_001278293.3 (MANE Select); 3 bases into the intron after coding-DNA position 479, A replaced by C.
Molecular consequence: intron variant.
Genome position (GRCh38, 1-based): chr3:97,788,122, A>C. VCF-style: chr3-97788122-A-C. GRCh37 (hg19) VCF-style: chr3-97506966-A-C.
Other names: c.479+3A>C (NM_032146.5, NM_177976.3, NM_001323513.2 and 1 more transcripts).
Identifiers: ClinVar variation 4984770 (VCV004984770.1).

ClinVar aggregate classification (germline): Likely pathogenic (1 of 4 stars; one submission).

Conditions:
ARL6-related disorder. Also called: ARL6-related condition.

gnomAD v4.1: 3 of 1,612,288 alleles (0.00019%); highest among the groups gnomAD compares: Non-Finnish European, 0.00025%; no homozygotes.

Submission:

PreventionGenetics, part of Exact Sciences
Classification: Likely pathogenic for ARL6-related condition. Last evaluated: 2025-07-10. Review status: criteria provided, single submitter. Criteria: ACMG Guidelines, 2015. Collection method: clinical testing. Allele origin: germline.
Comment: The ARL6 c.479+3A>C variant is predicted to interfere with splicing. This variant has been reported in the homozygous state in a patient with nephronophthisis, retinal degeneration and renal hypoplasia (Braun et al. 2015. PubMed ID: 26489029). This variant is reported in 0.00090% of alleles in individuals of European (non-Finnish) descent in gnomAD. This variant is interpreted as likely pathogenic.